The following is an entry in ClinVar:

ClinVar aggregate classification (germline): Conflicting classifications of pathogenicity. Review status: criteria provided, conflicting classifications (1 of 4 stars). 4 submissions from 4 submitters: Uncertain significance (1); Likely benign (2). 1 of the submissions does not count toward it. Last evaluated 2026-01-28.

Conditions:
SAMD9-related disorder. Also called: SAMD9-related condition.
MIRAGE syndrome. Also called: MYELODYSPLASIA, INFECTION, RESTRICTION OF GROWTH, ADRENAL HYPOPLASIA, GENITAL PHENOTYPES, AND ENTEROPATHY. Identifiers: Orphanet 494433, MedGen C4284088, MONDO:0014888, OMIM 617053.

Allele frequency attached by ClinVar (database versions not stated): ExAC 0.00020; gnomAD exomes 0.00028 and 0.00029; ESP Exome Variant Server 0.00031; gnomAD 0.00034 and 0.00035; TOPMed 0.00036.

Submissions (4):

Labcorp Genetics (formerly Invitae), Labcorp
Classification: Likely benign. Last evaluated: 2026-01-28. Review status: criteria provided, single submitter. Criteria: Invitae Variant Classification Sherloc (09022015). Collection method: clinical testing. Allele origin: germline.

St. Jude Molecular Pathology, St. Jude Children's Research Hospital
Classification: Uncertain significance for MIRAGE syndrome. Last evaluated: 2022-08-01. Review status: criteria provided, single submitter. Criteria: St. Jude Assertion Criteria 2020. Collection method: clinical testing. Allele origin: germline.
Comment: The SAMD9 c.1058C>T (p.Thr353Met) missense change has a maximum subpopulation frequency of 0.079% in gnomAD v2.1.1. The in silico tool REVEL predicts a benign effect of this variant on protein function, however in silico predictions have not been found to correlate with syndromic risk for SAMD9 variants and are thus not considered supporting evidence of a pathogenic or benign effect (PMID: 34621053). To our knowledge, this variant has not been reported in individuals with SAMD9-associated conditions. In summary, the evidence currently available is insufficient to determine the clinical significance of this variant. It has therefore been classified as of uncertain significance.

Johns Hopkins Genomics, Johns Hopkins University
Classification: Likely benign for MIRAGE syndrome. Last evaluated: 2020-10-02. Review status: criteria provided, single submitter. Criteria: ACMG Guidelines, 2015. Collection method: clinical testing. Allele origin: germline.

PreventionGenetics, part of Exact Sciences
Classification: Likely benign for SAMD9-related condition. Last evaluated: 2024-04-17. Review status: no assertion criteria provided. Collection method: clinical testing. Allele origin: germline. Not counted in ClinVar's aggregate classification.
Comment: This variant is classified as likely benign based on ACMG/AMP sequence variant interpretation guidelines (Richards et al. 2015 PMID: 25741868, with internal and published modifications).

Literature cited by the submitters: PubMed 30046003 (cited by Johns Hopkins Genomics, Johns Hopkins University).

NM_017654.4(SAMD9):c.1058C>T (p.Thr353Met)

Gene: SAMD9 (sterile alpha motif domain containing 9; minus strand). Cytogenetic location: 7q21.2.
Variant type: single nucleotide variant.
Coding change: c.1058C>T on transcript NM_017654.4 (MANE Select); coding-DNA position 1058, C replaced by T.
Protein change: p.Thr353Met; replaces threonine 353 with methionine.
Molecular consequence: missense variant.
Genome position (GRCh38, 1-based): chr7:93,105,040, G>A on the plus strand (C>T on the coding strand, the complement: SAMD9 is on the minus strand). VCF-style: chr7-93105040-G-A. GRCh37 (hg19) VCF-style: chr7-92734353-G-A.
Other names: c.1058C>T, p.Thr353Met (NM_001193307.2); short protein forms T353M.
Identifiers: ClinVar variation 981514 (VCV000981514.10), dbSNP rs138478808, ClinGen allele CA4343028.